The following is an entry in ClinVar:

NM_020366.4(RPGRIP1):c.1904C>G (p.Ala635Gly)

Gene: RPGRIP1 (RPGR interacting protein 1; plus strand). Cytogenetic location: 14q11.2.
Variant type: single nucleotide variant.
Coding change: c.1904C>G on transcript NM_020366.4 (MANE Select); coding-DNA position 1904, C replaced by G.
Protein change: p.Ala635Gly; replaces alanine 635 with glycine.
Molecular consequence: missense variant. On other transcripts: intron variant (4).
Genome position (GRCh38, 1-based): chr14:21,324,759, C>G. VCF-style: chr14-21324759-C-G. GRCh37 (hg19) VCF-style: chr14-21792918-C-G.
Other names: c.830C>G, p.Ala277Gly (NM_001377948.1); c.796+34C>G (NM_001377949.1); c.688+2755C>G (NM_001377523.1, NM_001377950.1); c.190+2755C>G (NM_001377951.1); short protein forms A635G, A277G.
Identifiers: ClinVar variation 282963 (VCV000282963.16), dbSNP rs200325360, ClinGen allele CA7089119.

ClinVar aggregate classification (germline): Uncertain significance. Review status: criteria provided, multiple submitters, no conflicts (2 of 4 stars). 6 submissions from 5 submitters: Uncertain significance (6). Last evaluated 2024-11-14.

Conditions:
Leber congenital amaurosis 6 (LCA6). Identifiers: Orphanet 65, MedGen C1854260, MONDO:0013446, OMIM 613826.
Cone-rod dystrophy 13 (CORD13). Identifiers: Orphanet 1872, MedGen C2750720, MONDO:0011987, OMIM 608194.

Allele frequency attached by ClinVar (database versions not stated): gnomAD 0.00010 and 0.00012; ESP Exome Variant Server 0.00016; gnomAD exomes 0.00016 and 0.00020; ExAC 0.00020; TOPMed 0.00011.
gnomAD v4.1: 299 of 1,613,942 alleles (0.019%); highest among the groups gnomAD compares: Middle Eastern, 0.033%; no homozygotes.

Submissions (6):

Blueprint Genetics
Classification: Uncertain significance. Last evaluated: 2024-11-14. Review status: criteria provided, single submitter. Criteria: ACMG Guidelines, 2015. Collection method: clinical testing. Allele origin: germline.

Labcorp Genetics (formerly Invitae), Labcorp
Classification: Uncertain significance for Leber congenital amaurosis 6; Cone-rod dystrophy 13. Last evaluated: 2024-11-05. Review status: criteria provided, single submitter. Criteria: Invitae Variant Classification Sherloc (09022015). Collection method: clinical testing. Allele origin: germline.
Comment: This sequence change replaces alanine, which is neutral and non-polar, with glycine, which is neutral and non-polar, at codon 635 of the RPGRIP1 protein (p.Ala635Gly). This variant is present in population databases (rs200325360, gnomAD 0.03%). This missense change has been observed in individual(s) with glaucoma (PMID: 21224891). ClinVar contains an entry for this variant (Variation ID: 282963). Invitae Evidence Modeling of protein sequence and biophysical properties (such as structural, functional, and spatial information, amino acid conservation, physicochemical variation, residue mobility, and thermodynamic stability) indicates that this missense variant is expected to disrupt RPGRIP1 protein function with a positive predictive value of 80%. Experimental studies have shown that this missense change affects RPGRIP1 function (PMID: 21224891). In summary, the available evidence is currently insufficient to determine the role of this variant in disease. Therefore, it has been classified as a Variant of Uncertain Significance.

Women's Health and Genetics/Laboratory Corporation of America, LabCorp
Classification: Uncertain significance. Last evaluated: 2023-12-18. Review status: criteria provided, single submitter. Criteria: LabCorp Variant Classification Summary - May 2015. Collection method: clinical testing. Allele origin: germline.
Comment: Variant summary: RPGRIP1 c.1904C>G (p.Ala635Gly) results in a non-conservative amino acid change located in the RPGR-interacting protein 1, first C2 domain (IPR021656) of the encoded protein sequence. Five of five in-silico tools predict a damaging effect of the variant on protein function. The variant allele was found at a frequency of 0.00016 in 249308 control chromosomes. This frequency is not significantly higher than estimated for a pathogenic variant in RPGRIP1 causing Leber Congenital Amaurosis (0.00016 vs 0.0011), allowing no conclusion about variant significance. c.1904C>G has been reported in the literature in heterozygous individuals affected with normal tension glaucoma and primary open angle glaucoma (e.g. Fernandez-Martinez_2011). These report(s) do not provide unequivocal conclusions about association of the variant with Leber Congenital Amaurosis. One publication reports experimental evidence evaluating an impact on protein function showing reduced interaction with C2 domain partner NPHP4 in a yeast-two-hybrid assay, however, does not allow convincing conclusions about the variant effect (e.g. Fernandez-Martinez_2011). The following publication has been ascertained in the context of this evaluation (PMID: 21224891). Three submitters have cited clinical-significance assessments for this variant to ClinVar after 2014. All submitters classified the variant as uncertain significance. Based on the evidence outlined above, the variant was classified as uncertain significance.

Genome-Nilou Lab
Classification: Uncertain significance for Leber congenital amaurosis 6. Last evaluated: 2021-11-07. Review status: criteria provided, single submitter. Criteria: ACMG Guidelines, 2015. Collection method: clinical testing. Allele origin: germline. Affected: no.

Genome-Nilou Lab
Classification: Uncertain significance for Cone-rod dystrophy 13. Last evaluated: 2021-11-07. Review status: criteria provided, single submitter. Criteria: ACMG Guidelines, 2015. Collection method: clinical testing. Allele origin: germline. Affected: no.

Eurofins Ntd Llc (ga)
Classification: Uncertain significance. Last evaluated: 2016-12-22. Review status: criteria provided, single submitter. Criteria: EGL Classification Definitions 2015. Collection method: clinical testing. Allele origin: germline. Observed: 3 variant alleles, 3 heterozygotes.

Literature cited by the submitters: PubMed 21224891 (cited by Labcorp Genetics (formerly Invitae), Labcorp and Women's Health and Genetics/Laboratory Corporation of America, LabCorp).